The following is an entry in ClinVar:

NM_000426.4(LAMA2):c.5954_5962dup (p.Ala1985_Asp1987dup)

Gene: LAMA2 (laminin subunit alpha 2; plus strand). Cytogenetic location: 6q22.33.
Variant type: Duplication.
Coding change: c.5954_5962dup on transcript NM_000426.4 (MANE Select); coding-DNA positions 5954 to 5962, 9 bases duplicated (CAAATGATG; older notation c.5954_5962dupCAAATGATG).
Protein change: p.Ala1985_Asp1987dup.
Molecular consequence: inframe insertion.
Genome position (GRCh38, 1-based): chr6:129,427,840-129,427,848, CAAATGATG duplicated; duplicating any 9 consecutive bases within chr6:129,427,839-129,427,848 gives the same sequence; the c. name uses the placement nearest the transcript's 3' end. VCF-style (leftmost placement, unchanged base first): chr6-129427838-A-AGCAAATGAT. GRCh37 (hg19) VCF-style: chr6-129748983-A-AGCAAATGAT.
Other names: c.5954_5962dup (NM_000426.3); c.5954_5962dup, p.Ala1985_Asp1987dup (NM_001079823.2).
Identifiers: ClinVar variation 551298 (VCV000551298.9), dbSNP rs1554295259, ClinGen allele CA658822374.

ClinVar aggregate classification (germline): Uncertain significance. Review status: criteria provided, multiple submitters, no conflicts (2 of 4 stars). 3 submissions from 3 submitters: Uncertain significance (2). 1 of the submissions does not count toward it. Last evaluated 2022-08-10.

Conditions:
LAMA2-related muscular dystrophy (LAMA2-RD). Also called: Laminin alpha 2-related dystrophy. Identifiers: MedGen C5679788, MONDO:0100228.
Merosin deficient congenital muscular dystrophy (MDC1A). Also called: Congenital Muscular Dystrophy Type 1A (MDC1A); Congenital merosin-deficient muscular dystrophy 1A. Identifiers: Orphanet 258, MedGen C1263858, MONDO:0011925, OMIM 607855.

Submissions (3):

Labcorp Genetics (formerly Invitae), Labcorp
Classification: Uncertain significance for LAMA2-related muscular dystrophy. Last evaluated: 2022-08-10. Review status: criteria provided, single submitter. Criteria: Invitae Variant Classification Sherloc (09022015). Collection method: clinical testing. Allele origin: germline.
Comment: This variant, c.5954_5962dup, results in the insertion of 3 amino acid(s) of the LAMA2 protein (p.Ala1985_Asp1987dup), but otherwise preserves the integrity of the reading frame. This variant is not present in population databases (gnomAD no frequency). This variant has not been reported in the literature in individuals affected with LAMA2-related conditions. ClinVar contains an entry for this variant (Variation ID: 551298). Experimental studies and prediction algorithms are not available or were not evaluated, and the functional significance of this variant is currently unknown. In summary, the available evidence is currently insufficient to determine the role of this variant in disease. Therefore, it has been classified as a Variant of Uncertain Significance.

Revvity Omics, Revvity
Classification: Uncertain significance. Last evaluated: 2022-08-09. Review status: criteria provided, single submitter. Criteria: ACMG Guidelines, 2015. Collection method: clinical testing. Allele origin: germline.

Counsyl
Classification: Uncertain significance for Merosin deficient congenital muscular dystrophy. Last evaluated: 2017-03-29. Review status: no assertion criteria provided. Collection method: clinical testing. Allele origin: unknown. Not counted in ClinVar's aggregate classification.